The following is an entry in ClinVar:

ClinVar aggregate classification (germline): Uncertain significance (1 of 4 stars; one submission).

Conditions:
Congenital disorder of glycosylation, type Ii. Also called: ALG2-congenital disorder of glycosylation; CDG Ii; ALG2-CDG. Identifiers: Orphanet 79326, MedGen C1842836, MONDO:0011933, OMIM 607906.
Congenital myasthenic syndrome 14. Also called: Myasthenic syndrome, congenital, 14, with tubular aggregates. Identifiers: Orphanet 353327, Orphanet 590, MedGen C4015597, MONDO:0014543, OMIM 616228.

Allele frequency attached by ClinVar (database versions not stated): gnomAD exomes below 0.00001; TOPMed below 0.00001.
gnomAD v4.1: 1 of 1,614,270 alleles (0.000062%); highest among the groups gnomAD compares: East Asian, 0.0022%; no homozygotes.

Submission:

Labcorp Genetics (formerly Invitae), Labcorp
Classification: Uncertain significance for Congenital disorder of glycosylation, type Ii; Congenital myasthenic syndrome 14. Last evaluated: 2022-03-20. Review status: criteria provided, single submitter. Criteria: Invitae Variant Classification Sherloc (09022015). Collection method: clinical testing. Allele origin: germline.
Comment: This sequence change replaces glutamine, which is neutral and polar, with arginine, which is basic and polar, at codon 249 of the ALG2 protein (p.Gln249Arg). This variant is not present in population databases (gnomAD no frequency). This variant has not been reported in the literature in individuals affected with ALG2-related conditions. Algorithms developed to predict the effect of missense changes on protein structure and function (SIFT, PolyPhen-2, Align-GVGD) all suggest that this variant is likely to be tolerated. In summary, the available evidence is currently insufficient to determine the role of this variant in disease. Therefore, it has been classified as a Variant of Uncertain Significance.

NM_033087.4(ALG2):c.746A>G (p.Gln249Arg)

Gene: ALG2 (ALG2 alpha-1,3/1,6-mannosyltransferase; minus strand). Cytogenetic location: 9q22.33.
Variant type: single nucleotide variant.
Coding change: c.746A>G on transcript NM_033087.4 (MANE Select); coding-DNA position 746, A replaced by G.
Protein change: p.Gln249Arg; replaces glutamine 249 with arginine.
Molecular consequence: missense variant. On other transcripts: non-coding transcript variant (1).
Genome position (GRCh38, 1-based): chr9:99,218,439, T>C on the plus strand (A>G on the coding strand, the complement: ALG2 is on the minus strand). VCF-style: chr9-99218439-T-C. GRCh37 (hg19) VCF-style: chr9-101980721-T-C.
Other names: short protein forms Q249R.
Identifiers: ClinVar variation 2115397 (VCV002115397.4), dbSNP rs1828735792, ClinGen allele CA374227974.